The following is an entry in ClinVar:

NM_003482.4(KMT2D):c.4979T>C (p.Met1660Thr)

Gene: KMT2D (lysine methyltransferase 2D; minus strand). Cytogenetic location: 12q13.12.
Variant type: single nucleotide variant.
Coding change: c.4979T>C on transcript NM_003482.4 (MANE Select); coding-DNA position 4979, T replaced by C.
Protein change: p.Met1660Thr; replaces methionine 1660 with threonine.
Molecular consequence: missense variant.
Genome position (GRCh38, 1-based): chr12:49,044,507, A>G on the plus strand (T>C on the coding strand, the complement: KMT2D is on the minus strand). VCF-style: chr12-49044507-A-G. GRCh37 (hg19) VCF-style: chr12-49438290-A-G.
Other names: short protein forms M1660T.
Identifiers: ClinVar variation 1958886 (VCV001958886.5), dbSNP rs899306156, ClinGen allele CA236613209.

ClinVar aggregate classification (germline): Uncertain significance (1 of 4 stars; one submission).

Conditions:
Kabuki syndrome. Also called: Kabuki make-up syndrome; NIIKAWA-KUROKI SYNDROME. Identifiers: Orphanet 2322, MedGen C0796004, MONDO:0016512.

Submission:

Labcorp Genetics (formerly Invitae), Labcorp
Classification: Uncertain significance for Kabuki syndrome. Last evaluated: 2024-02-24. Review status: criteria provided, single submitter. Criteria: Invitae Variant Classification Sherloc (09022015). Collection method: clinical testing. Allele origin: germline.
Comment: This sequence change replaces methionine, which is neutral and non-polar, with threonine, which is neutral and polar, at codon 1660 of the KMT2D protein (p.Met1660Thr). This variant is not present in population databases (gnomAD no frequency). This variant has not been reported in the literature in individuals affected with KMT2D-related conditions. ClinVar contains an entry for this variant (Variation ID: 1958886). Advanced modeling of protein sequence and biophysical properties (such as structural, functional, and spatial information, amino acid conservation, physicochemical variation, residue mobility, and thermodynamic stability) has been performed at Invitae for this missense variant, however the output from this modeling did not meet the statistical confidence thresholds required to predict the impact of this variant on KMT2D protein function. In summary, the available evidence is currently insufficient to determine the role of this variant in disease. Therefore, it has been classified as a Variant of Uncertain Significance.